The following is an entry in ClinVar:

ClinVar aggregate classification (germline): Likely benign (0 of 4 stars; one submission).

Conditions:
PPP1R9B-related disorder. Also called: PPP1R9B-related condition.

Submission:

PreventionGenetics, part of Exact Sciences
Classification: Likely benign for PPP1R9B-related condition. Last evaluated: 2022-10-21. Review status: no assertion criteria provided. Collection method: clinical testing. Allele origin: germline.
Comment: This variant is classified as likely benign based on ACMG/AMP sequence variant interpretation guidelines (Richards et al. 2015 PMID: 25741868, with internal and published modifications).

NM_032595.5(PPP1R9B):c.240G>C (p.Leu80=)

Gene: PPP1R9B (protein phosphatase 1 regulatory subunit 9B; minus strand). Cytogenetic location: 17q21.33.
Variant type: single nucleotide variant.
Coding change: c.240G>C on transcript NM_032595.5 (MANE Select); coding-DNA position 240, G replaced by C.
Protein change: p.Leu80=; no amino-acid change (leucine 80 retained).
Molecular consequence: synonymous variant.
Genome position (GRCh38, 1-based): chr17:50,150,274, C>G on the plus strand (G>C on the coding strand, the complement: PPP1R9B is on the minus strand). VCF-style: chr17-50150274-C-G. GRCh37 (hg19) VCF-style: chr17-48227635-C-G.
Identifiers: ClinVar variation 3029198 (VCV003029198.2), dbSNP rs2509101255, ClinGen allele CA500991425.
Genomic context (GRCh38, chr17:50,150,274, plus strand): 5'-GCTGCTGGCCCGCGGCAGCGACAGGCGCACGCCGCGCTCGGACGCCCGTGGGGCCTCGGC[C>G]AGGCCCGCGCCGCCGCCCGCCTCGCCCGAGGGCCCCGCCGTCGTGCCCATCTGCAGGAAC-3'
Protein context (NP_115984.3, residues 70-90): PSGEAGGGAG[Leu80=]AEAPRASERG